The following is an entry in ClinVar:

ClinVar aggregate classification (germline): Likely benign (1 of 4 stars; one submission).

Conditions:
UNC13A-related disorder. Also called: UNC13A-related condition.

Submission:

PreventionGenetics, part of Exact Sciences
Classification: Likely benign for UNC13A-related condition. Last evaluated: 2025-02-13. Review status: criteria provided, single submitter. Criteria: ACMG Guidelines, 2015. Collection method: clinical testing. Allele origin: germline.
Comment: This variant is classified as likely benign based on ACMG/AMP sequence variant interpretation guidelines (Richards et al. 2015 PMID: 25741868, with internal and published modifications).

NM_001080421.3(UNC13A):c.1653G>C (p.Thr551=)

Gene: UNC13A (unc-13 homolog A; minus strand). Cytogenetic location: 19p13.11.
Variant type: single nucleotide variant.
Coding change: c.1653G>C on transcript NM_001080421.3 (MANE Select); coding-DNA position 1653, G replaced by C.
Protein change: p.Thr551=; no amino-acid change (threonine 551 retained).
Molecular consequence: synonymous variant.
Genome position (GRCh38, 1-based): chr19:17,648,594, C>G on the plus strand (G>C on the coding strand, the complement: UNC13A is on the minus strand). VCF-style: chr19-17648594-C-G. GRCh37 (hg19) VCF-style: chr19-17759403-C-G.
Other names: c.1647G>C, p.Thr549= (NM_001387021.1, NM_001387022.1, NM_001387023.1).
Identifiers: ClinVar variation 4990475 (VCV004990475.1).